The following is an entry in ClinVar:

NM_000136.3(FANCC):c.1285_1297del (p.Tyr429fs)

Genes: AOPEP (aminopeptidase O (putative); plus strand), FANCC (FA complementation group C; minus strand). Cytogenetic location: 9q22.32.
Variant type: Deletion.
Coding change: c.1285_1297del on transcript NM_000136.3 (MANE Select); coding-DNA positions 1285 to 1297, 13 bases deleted (TACTACGGCCCCC).
Protein change: p.Tyr429fs; shifts the reading frame from tyrosine 429.
Molecular consequence: frameshift variant.
Genome position (GRCh38, 1-based): chr9:95,111,495-95,111,507, GGGGGCCGTAGTA deleted on the plus strand (TACTACGGCCCCC on the coding strand, the reverse complement: FANCC is on the minus strand); deleting any 13 consecutive bases within chr9:95,111,495-95,111,508 gives the same sequence; the c. name uses the placement nearest the transcript's 3' end. VCF-style (leftmost placement, unchanged base first): chr9-95111494-CGGGGGCCGTAGTA-C. GRCh37 (hg19) VCF-style: chr9-97873776-CGGGGGCCGTAGTA-C.
Other names: c.1285_1297del, p.Tyr429fs (NM_001243743.2, NM_001243744.2); short protein forms Y429fs.
Identifiers: ClinVar variation 2763653 (VCV002763653.3), dbSNP rs2540883406, ClinGen allele CA2697557936.

ClinVar aggregate classification (germline): Pathogenic (1 of 4 stars; one submission).

Conditions:
Fanconi anemia (FA). Also called: Fanconi's anemia. Identifiers: Orphanet 84, MedGen C0015625, MeSH D005199, MONDO:0019391.

Submission:

Labcorp Genetics (formerly Invitae), Labcorp
Classification: Pathogenic for Fanconi anemia. Last evaluated: 2023-09-27. Review status: criteria provided, single submitter. Criteria: Invitae Variant Classification Sherloc (09022015). Collection method: clinical testing. Allele origin: germline.
Comment: This sequence change creates a premature translational stop signal (p.Tyr429Valfs*14) in the FANCC gene. It is expected to result in an absent or disrupted protein product. Loss-of-function variants in FANCC are known to be pathogenic (PMID: 17924555). This variant is not present in population databases (gnomAD no frequency). For these reasons, this variant has been classified as Pathogenic. This variant has not been reported in the literature in individuals affected with FANCC-related conditions.

Literature cited by the submitters: PubMed 17924555.